The following is an entry in ClinVar:

NM_005045.4(RELN):c.2603G>A (p.Ser868Asn)

Gene: RELN (reelin; minus strand). Cytogenetic location: 7q22.1.
Variant type: single nucleotide variant.
Coding change: c.2603G>A on transcript NM_005045.4 (MANE Select); coding-DNA position 2603, G replaced by A.
Protein change: p.Ser868Asn; replaces serine 868 with asparagine.
Molecular consequence: missense variant.
Genome position (GRCh38, 1-based): chr7:103,630,039, C>T on the plus strand (G>A on the coding strand, the complement: RELN is on the minus strand). VCF-style: chr7-103630039-C-T. GRCh37 (hg19) VCF-style: chr7-103270486-C-T.
Other names: c.2603G>A, p.Ser868Asn (NM_173054.3); short protein forms S868N.
Identifiers: ClinVar variation 1465971 (VCV001465971.6), dbSNP rs926955647, ClinGen allele CA163921832.

ClinVar aggregate classification (germline): Uncertain significance (1 of 4 stars; one submission).

Conditions:
Norman-Roberts syndrome (LIS2). Also called: Lissencephaly 2 (Norman-Roberts type). Identifiers: Orphanet 89844, MedGen C0796089, MONDO:0009760, OMIM 257320.
Familial temporal lobe epilepsy 7. Identifiers: Orphanet 101046, MedGen C4225327, MONDO:0014639, OMIM 616436.

Allele frequency attached by ClinVar (database versions not stated): gnomAD exomes below 0.00001 and 0.00001; TOPMed below 0.00001; gnomAD 0.00001.
gnomAD v4.1: 6 of 1,613,434 alleles (0.00037%); highest among the groups gnomAD compares: Admixed American, 0.0017%; no homozygotes.

Submission:

Labcorp Genetics (formerly Invitae), Labcorp
Classification: Uncertain significance for Familial temporal lobe epilepsy 7; Norman-Roberts syndrome. Last evaluated: 2024-02-03. Review status: criteria provided, single submitter. Criteria: Invitae Variant Classification Sherloc (09022015). Collection method: clinical testing. Allele origin: germline.
Comment: This sequence change replaces serine, which is neutral and polar, with asparagine, which is neutral and polar, at codon 868 of the RELN protein (p.Ser868Asn). This variant is present in population databases (no rsID available, gnomAD 0.003%). This variant has not been reported in the literature in individuals affected with RELN-related conditions. ClinVar contains an entry for this variant (Variation ID: 1465971). Advanced modeling of protein sequence and biophysical properties (such as structural, functional, and spatial information, amino acid conservation, physicochemical variation, residue mobility, and thermodynamic stability) performed at Invitae indicates that this missense variant is not expected to disrupt RELN protein function with a negative predictive value of 80%. In summary, the available evidence is currently insufficient to determine the role of this variant in disease. Therefore, it has been classified as a Variant of Uncertain Significance.